The following is an entry in ClinVar:

NM_001164508.2(NEB):c.8269_8270dup (p.Leu2757fs)

Gene: NEB (nebulin; minus strand). Cytogenetic location: 2q23.3.
Variant type: Duplication.
Coding change: c.8269_8270dup on transcript NM_001164508.2 (MANE Select); coding-DNA positions 8269 to 8270, 2 bases duplicated (TT; older notation c.8269_8270dupTT).
Protein change: p.Leu2757fs; shifts the reading frame from leucine 2757.
Molecular consequence: frameshift variant.
Genome position (GRCh38, 1-based): chr2:151,642,677-151,642,678, AA duplicated on the plus strand (TT on the coding strand, the reverse complement: NEB is on the minus strand). VCF-style (leftmost placement, unchanged base first): chr2-151642676-C-CAA. GRCh37 (hg19) VCF-style: chr2-152499190-C-CAA.
Other names: c.8269_8270dup, p.Leu2757fs (NM_001164507.2, NM_001271208.2, NM_004543.5); short protein forms L2757fs.
Identifiers: ClinVar variation 1456397 (VCV001456397.6), dbSNP rs2154113080, ClinGen allele CA2573133464.

ClinVar aggregate classification (germline): Pathogenic (1 of 4 stars; one submission).

Conditions:
Nemaline myopathy 2 (NEM2). Also called: Nemaline myopathy 2, autosomal recessive. Identifiers: MedGen C1850569, MONDO:0009725, OMIM 256030.

Submission:

Labcorp Genetics (formerly Invitae), Labcorp
Classification: Pathogenic for Nemaline myopathy 2. Last evaluated: 2021-08-17. Review status: criteria provided, single submitter. Criteria: Invitae Variant Classification Sherloc (09022015). Collection method: clinical testing. Allele origin: germline.
Comment: This sequence change creates a premature translational stop signal (p.Leu2757Phefs*7) in the NEB gene. It is expected to result in an absent or disrupted protein product. Loss-of-function variants in NEB are known to be pathogenic (PMID: 25205138). This variant is not present in population databases (ExAC no frequency). This variant has not been reported in the literature in individuals affected with NEB-related conditions. For these reasons, this variant has been classified as Pathogenic.

Literature cited by the submitters: PubMed 25205138.